The following is an entry in ClinVar:

NM_033305.3(VPS13A):c.472A>G (p.Ile158Val)

Gene: VPS13A (vacuolar protein sorting 13 homolog A; plus strand). Cytogenetic location: 9q21.2.
Variant type: single nucleotide variant.
Coding change: c.472A>G on transcript NM_033305.3 (MANE Select); coding-DNA position 472, A replaced by G.
Protein change: p.Ile158Val; replaces isoleucine 158 with valine.
Molecular consequence: missense variant.
Genome position (GRCh38, 1-based): chr9:77,209,509, A>G. VCF-style: chr9-77209509-A-G. GRCh37 (hg19) VCF-style: chr9-79824425-A-G.
Other names: c.472A>G, p.Ile158Val (NM_001018037.2, NM_001018038.3, NM_015186.4); short protein forms I158V.
Identifiers: ClinVar variation 2179750 (VCV002179750.1), dbSNP rs372839456, ClinGen allele CA5091352.
Genomic context (GRCh38, chr9:77,209,509, plus strand): 5'-ACTTTTGCAGAAAAATTAGTTACACAGATCATAAAAAATCTTCAGGTGAAAATTTCCAGT[A>G]TCCATATTCGTTATGAAGATGATGTAAGTATTTTAATATGTGATATTTGTTTTTATATTT-3'
Protein context (NP_150648.2, residues 148-168): IKNLQVKISS[Ile158Val]HIRYEDDITN

ClinVar aggregate classification (germline): Uncertain significance (1 of 4 stars; one submission).

Allele frequency attached by ClinVar (database versions not stated): ExAC 0.00003; gnomAD 0.00007; TOPMed 0.00008; ESP Exome Variant Server 0.00015.
gnomAD v4.1: 20 of 1,601,808 alleles (0.0012%); highest among the groups gnomAD compares: Admixed American, 0.017%; no homozygotes.

Submission:

Labcorp Genetics (formerly Invitae), Labcorp
Classification: Uncertain significance. Last evaluated: 2020-05-06. Review status: criteria provided, single submitter. Criteria: Invitae Variant Classification Sherloc (09022015). Collection method: clinical testing. Allele origin: germline.
Comment: This sequence change replaces isoleucine with valine at codon 158 of the VPS13A protein (p.Ile158Val). The isoleucine residue is highly conserved and there is a small physicochemical difference between isoleucine and valine. This variant is present in population databases (rs372839456, ExAC 0.03%). This variant has not been reported in the literature in individuals with VPS13A-related disease. Algorithms developed to predict the effect of missense changes on protein structure and function (SIFT, PolyPhen-2, Align-GVGD) all suggest that this variant is likely to be tolerated, but these predictions have not been confirmed by published functional studies and their clinical significance is uncertain. In summary, the available evidence is currently insufficient to determine the role of this variant in disease. Therefore, it has been classified as a Variant of Uncertain Significance.